The following is an entry in ClinVar:

NM_000136.3(FANCC):c.891G>T (p.Met297Ile)

Genes: AOPEP (aminopeptidase O (putative); plus strand), FANCC (FA complementation group C; minus strand). Cytogenetic location: 9q22.32.
Variant type: single nucleotide variant.
Coding change: c.891G>T on transcript NM_000136.3 (MANE Select); coding-DNA position 891, G replaced by T.
Protein change: p.Met297Ile; replaces methionine 297 with isoleucine.
Molecular consequence: missense variant.
Genome position (GRCh38, 1-based): chr9:95,126,534, C>A on the plus strand (G>T on the coding strand, the complement: FANCC is on the minus strand). VCF-style: chr9-95126534-C-A. GRCh37 (hg19) VCF-style: chr9-97888816-C-A.
Other names: c.891G>T, p.Met297Ile (NM_001243743.2, NM_001243744.2); short protein forms M297I.
Identifiers: ClinVar variation 456168 (VCV000456168.13), dbSNP rs1554833192, ClinGen allele CA374109058.
Genomic context (GRCh38, chr9:95,126,534, plus strand): 5'-TTGGAAATGGAACCTTTTTTACATCAATTACTAGAAGAAACAGTGTAACGTTTACCTGAA[C>A]ATCTCATCAACAACCCGGAATATGGCAGGGTGGCAGGCTGCTTGAGGCTGTAAAAGGAGA-3'
Protein context (NP_000127.2, residues 287-307): HPAIFRVVDE[Met297Ile]FRCALLETDG

ClinVar aggregate classification (germline): Uncertain significance. Review status: criteria provided, multiple submitters, no conflicts (2 of 4 stars). 3 submissions from 3 submitters: Uncertain significance (2). 1 of the submissions does not count toward it. Last evaluated 2025-08-31.

Conditions:
Hereditary cancer-predisposing syndrome. Also called: Neoplastic Syndromes, Hereditary; Tumor predisposition; Hereditary Cancer Syndrome; Hereditary neoplastic syndrome. Identifiers: Orphanet 140162, MedGen C0027672, MeSH D009386, MONDO:0015356.
Fanconi anemia (FA). Also called: Fanconi's anemia. Identifiers: Orphanet 84, MedGen C0015625, MeSH D005199, MONDO:0019391.

Submissions (3):

Labcorp Genetics (formerly Invitae), Labcorp
Classification: Uncertain significance for Fanconi anemia. Last evaluated: 2025-08-31. Review status: criteria provided, single submitter. Criteria: Invitae Variant Classification Sherloc (09022015). Collection method: clinical testing. Allele origin: germline.
Comment: This sequence change replaces methionine, which is neutral and non-polar, with isoleucine, which is neutral and non-polar, at codon 297 of the FANCC protein (p.Met297Ile). This variant is not present in population databases (gnomAD no frequency). This variant has not been reported in the literature in individuals affected with FANCC-related conditions. ClinVar contains an entry for this variant (Variation ID: 456168). Invitae Evidence Modeling of protein sequence and biophysical properties (such as structural, functional, and spatial information, amino acid conservation, physicochemical variation, residue mobility, and thermodynamic stability) indicates that this missense variant is not expected to disrupt FANCC protein function with a negative predictive value of 80%. In summary, the available evidence is currently insufficient to determine the role of this variant in disease. Therefore, it has been classified as a Variant of Uncertain Significance.

Ambry Genetics
Classification: Uncertain significance for Hereditary cancer-predisposing syndrome. Last evaluated: 2022-10-28. Review status: criteria provided, single submitter. Criteria: Ambry Variant Classification Scheme 2023. Collection method: clinical testing. Allele origin: germline.
Comment: The p.M297I variant (also known as c.891G>T), located in coding exon 8 of the FANCC gene, results from a G to T substitution at nucleotide position 891. The methionine at codon 297 is replaced by isoleucine, an amino acid with highly similar properties. This amino acid position is conserved. In addition, this alteration is predicted to be tolerated by in silico analysis. Since supporting evidence is limited at this time, the clinical significance of this alteration remains unclear.

Natera, Inc.
Classification: Uncertain significance for Fanconi anemia. Last evaluated: 2019-01-19. Review status: no assertion criteria provided. Collection method: clinical testing. Allele origin: germline. Not counted in ClinVar's aggregate classification.